The following is an entry in ClinVar:

NM_000138.5(FBN1):c.1700G>A (p.Gly567Glu)

Gene: FBN1 (fibrillin 1; minus strand). Cytogenetic location: 15q21.1.
Variant type: single nucleotide variant.
Coding change: c.1700G>A on transcript NM_000138.5 (MANE Select); coding-DNA position 1700, G replaced by A.
Protein change: p.Gly567Glu; replaces glycine 567 with glutamic acid.
Molecular consequence: missense variant.
Genome position (GRCh38, 1-based): chr15:48,510,058, C>T on the plus strand (G>A on the coding strand, the complement: FBN1 is on the minus strand). VCF-style: chr15-48510058-C-T. GRCh37 (hg19) VCF-style: chr15-48802255-C-T.
Other names: short protein forms G567E.
Identifiers: ClinVar variation 1702403 (VCV001702403.7), dbSNP rs768489747, ClinGen allele CA269554333.

ClinVar aggregate classification (germline): Uncertain significance. Review status: criteria provided, multiple submitters, no conflicts (2 of 4 stars). 4 submissions from 4 submitters: Uncertain significance (4). Last evaluated 2025-08-08.

Conditions:
Marfan syndrome (MFS). Also called: Marfan's syndrome; Marfan syndrome, classic; MARFAN SYNDROME, TYPE I; Marfan syndrome type 1; FBN1-Related Marfan Syndrome. Identifiers: Orphanet 284963, Orphanet 558, MedGen C0024796, MONDO:0007947, OMIM 154700.
Connective tissue disorder. Also called: Connective tissue disease. Identifiers: MedGen C0009782, MONDO:0003900.
Familial thoracic aortic aneurysm and aortic dissection (TAAD). Also called: Thoracic aortic aneurysms and dissections. Identifiers: Orphanet 91387, MedGen C4707243, MONDO:0019625.

Allele frequency attached by ClinVar (database versions not stated): gnomAD exomes 0.00001.
gnomAD v4.1: 17 of 1,613,252 alleles (0.0011%); highest among the groups gnomAD compares: Non-Finnish European, 0.0014%; no homozygotes.

Submissions (4):

GeneDx
Classification: Uncertain significance. Last evaluated: 2025-08-08. Review status: criteria provided, single submitter. Criteria: GeneDx Variant Classification Process June 2021. Collection method: clinical testing. Allele origin: germline. Affected: yes.
Comment: Not observed at significant frequency in large population cohorts (gnomAD); In silico analysis supports that this missense variant has a deleterious effect on protein structure/function; Has not been previously published as pathogenic or benign to our knowledge; Does not affect a cysteine or calcium-binding residue within an EGF-like domain or a TGF-binding protein domain of the FBN1 gene; cysteine substitutions in the EGF-like domains represent the majority of pathogenic missense changes associated with FBN1-related disorders (PMID: 12938084); This variant is associated with the following publications: (PMID: 12938084)

Labcorp Genetics (formerly Invitae), Labcorp
Classification: Uncertain significance for Marfan syndrome; Familial thoracic aortic aneurysm and aortic dissection. Last evaluated: 2024-07-08. Review status: criteria provided, single submitter. Criteria: Invitae Variant Classification Sherloc (09022015). Collection method: clinical testing. Allele origin: germline.
Comment: This sequence change replaces glycine, which is neutral and non-polar, with glutamic acid, which is acidic and polar, at codon 567 of the FBN1 protein (p.Gly567Glu). This variant is not present in population databases (gnomAD no frequency). This variant has not been reported in the literature in individuals affected with FBN1-related conditions. ClinVar contains an entry for this variant (Variation ID: 1702403). Advanced modeling of protein sequence and biophysical properties (such as structural, functional, and spatial information, amino acid conservation, physicochemical variation, residue mobility, and thermodynamic stability) performed at Invitae indicates that this missense variant is expected to disrupt FBN1 protein function with a positive predictive value of 95%. In summary, the available evidence is currently insufficient to determine the role of this variant in disease. Therefore, it has been classified as a Variant of Uncertain Significance.

All of Us Research Program, National Institutes of Health
Classification: Uncertain significance for Marfan syndrome. Last evaluated: 2023-04-10. Review status: criteria provided, single submitter. Criteria: ACMG Guidelines, 2015. Collection method: clinical testing. Allele origin: germline. Inheritance: Autosomal dominant inheritance. Observed: 1 variant allele, 1 heterozygote.
Comment: This missense variant replaces glycine with glutamic acid at codon 567 of the FBN1 protein. Computational prediction suggests that this variant may have deleterious impact on protein structure and function (internally defined REVEL score threshold >= 0.7, PMID: 27666373). To our knowledge, functional studies have not been reported for this variant. This variant has not been reported in individuals affected with FBN1-related disorders in the literature. This variant has not been identified in the general population by the Genome Aggregation Database (gnomAD). The available evidence is insufficient to determine the role of this variant in disease conclusively. Therefore, this variant is classified as a Variant of Uncertain Significance.

This study involves interpretation of variants in research participants for the purpose of population health screening. Participant phenotype was not available at the time of variant classification. Additional details can be found in publication PMID: 35346344, PMCID: PMC8962531

Genome Diagnostics Laboratory, The Hospital for Sick Children
Classification: Uncertain significance for Connective tissue disorder. Last evaluated: 2022-06-15. Review status: criteria provided, single submitter. Criteria: ACMG Guidelines, 2015. Collection method: clinical testing. Allele origin: germline.